The following is an entry in ClinVar:

ClinVar aggregate classification (germline): Uncertain significance (1 of 4 stars; one submission).

Allele frequency attached by ClinVar (database versions not stated): gnomAD exomes 0.00001.
gnomAD v4.1: 10 of 1,608,754 alleles (0.00062%); highest among the groups gnomAD compares: Non-Finnish European, 0.00085%; no homozygotes.

Submission:

Labcorp Genetics (formerly Invitae), Labcorp
Classification: Uncertain significance. Last evaluated: 2021-05-18. Review status: criteria provided, single submitter. Criteria: Invitae Variant Classification Sherloc (09022015). Collection method: clinical testing. Allele origin: germline.
Comment: In summary, the available evidence is currently insufficient to determine the role of this variant in disease. Therefore, it has been classified as a Variant of Uncertain Significance. Nucleotide substitutions within the consensus splice site are a relatively common cause of aberrant splicing (PMID: 17576681, 9536098). Algorithms developed to predict the effect of sequence changes on RNA splicing suggest that this variant may disrupt the consensus splice site, but this prediction has not been confirmed by published transcriptional studies. This variant has not been reported in the literature in individuals with OPA1-related conditions. This variant is not present in population databases (ExAC no frequency). This sequence change falls in intron 11 of the OPA1 gene. It does not directly change the encoded amino acid sequence of the OPA1 protein. It affects a nucleotide within the consensus splice site of the intron.

Literature cited by the submitters: PubMed 17576681; PubMed 9536098.

NM_130837.3(OPA1):c.1305+4A>G

Gene: OPA1 (OPA1 mitochondrial dynamin like GTPase; plus strand). Cytogenetic location: 3q29.
Variant type: single nucleotide variant.
Coding change: c.1305+4A>G on transcript NM_130837.3 (MANE Select); 4 bases into the intron after coding-DNA position 1305, A replaced by G.
Molecular consequence: intron variant.
Genome position (GRCh38, 1-based): chr3:193,643,053, A>G. VCF-style: chr3-193643053-A-G. GRCh37 (hg19) VCF-style: chr3-193360842-A-G.
Other names: c.768+4A>G (NM_001354664.2); c.771+4A>G (NM_001354663.2); c.1194+4A>G (NM_130834.3); c.1251+4A>G (NM_130836.3); c.1140+4A>G (NM_015560.3); c.1197+4A>G (NM_130835.3); c.1086+4A>G (NM_130832.3); c.1143+4A>G (NM_130833.3); and 1 more.
Identifiers: ClinVar variation 1354494 (VCV001354494.6), dbSNP rs1734019105, ClinGen allele CA658760359.